The following is an entry in ClinVar:

NM_004336.5(BUB1):c.1828C>T (p.Pro610Ser)

Gene: BUB1 (BUB1 mitotic checkpoint serine/threonine kinase; minus strand). Cytogenetic location: 2q13.
Variant type: single nucleotide variant.
Coding change: c.1828C>T on transcript NM_004336.5 (MANE Select); coding-DNA position 1828, C replaced by T.
Protein change: p.Pro610Ser; replaces proline 610 with serine.
Molecular consequence: missense variant.
Genome position (GRCh38, 1-based): chr2:110,655,787, G>A on the plus strand (C>T on the coding strand, the complement: BUB1 is on the minus strand). VCF-style: chr2-110655787-G-A. GRCh37 (hg19) VCF-style: chr2-111413364-G-A.
Other names: c.1768C>T, p.Pro590Ser (NM_001278616.2); c.1828C>T, p.Pro610Ser (NM_001278617.2); short protein forms P610S, P590S.
Identifiers: ClinVar variation 2446971 (VCV002446971.2), dbSNP rs1689916533, ClinGen allele CA348210647.

ClinVar aggregate classification (germline): Uncertain significance (1 of 4 stars; one submission).

Allele frequency attached by ClinVar (database versions not stated): gnomAD exomes below 0.00001; TOPMed 0.00001.

Submission:

Ambry Genetics
Classification: Uncertain significance. Last evaluated: 2023-02-16. Review status: criteria provided, single submitter. Criteria: Ambry Variant Classification Scheme 2023. Collection method: clinical testing. Allele origin: germline.
Comment: The p.P610S variant (also known as c.1828C>T), located in coding exon 16 of the BUB1 gene, results from a C to T substitution at nucleotide position 1828. The proline at codon 610 is replaced by serine, an amino acid with similar properties. This amino acid position is conserved. In addition, the in silico prediction for this alteration is inconclusive. Since supporting evidence is limited at this time, the clinical significance of this alteration remains unclear.